The following is an entry in ClinVar:

ClinVar aggregate classification (germline): Likely benign. Review status: criteria provided, single submitter (1 of 4 stars). 2 submissions from 2 submitters: Likely benign (1). 1 of the submissions does not count toward it. Last evaluated 2018-12-18.

Conditions:
LGI3-related disorder. Also called: LGI3-related condition.

Allele frequency attached by ClinVar (database versions not stated): ExAC below 0.00001; gnomAD exomes 0.00014; gnomAD 0.00065; TOPMed 0.00084.

Submissions (2):

Labcorp Genetics (formerly Invitae), Labcorp
Classification: Likely benign. Last evaluated: 2018-12-18. Review status: criteria provided, single submitter. Criteria: Invitae Variant Classification Sherloc (09022015). Collection method: clinical testing. Allele origin: germline.

PreventionGenetics, part of Exact Sciences
Classification: Likely benign for LGI3-related condition. Last evaluated: 2023-01-03. Review status: no assertion criteria provided. Collection method: clinical testing. Allele origin: germline. Not counted in ClinVar's aggregate classification.
Comment: This variant is classified as likely benign based on ACMG/AMP sequence variant interpretation guidelines (Richards et al. 2015 PMID: 25741868, with internal and published modifications).

NM_139278.4(LGI3):c.35C>T (p.Pro12Leu)

Gene: LGI3 (leucine rich repeat LGI family member 3; minus strand). Cytogenetic location: 8p21.3.
Variant type: single nucleotide variant.
Coding change: c.35C>T on transcript NM_139278.4 (MANE Select); coding-DNA position 35, C replaced by T.
Protein change: p.Pro12Leu; replaces proline 12 with leucine.
Molecular consequence: missense variant.
Genome position (GRCh38, 1-based): chr8:22,156,508, G>A on the plus strand (C>T on the coding strand, the complement: LGI3 is on the minus strand). VCF-style: chr8-22156508-G-A. GRCh37 (hg19) VCF-style: chr8-22014021-G-A.
Other names: short protein forms P12L.
Identifiers: ClinVar variation 745609 (VCV000745609.5), dbSNP rs772786699, ClinGen allele CA4663784.